The following is an entry in ClinVar:

ClinVar aggregate classification (germline): Likely benign (1 of 4 stars; one submission).

Conditions:
Familial cancer of breast. Also called: hereditary breast carcinoma; BREAST CANCER, FAMILIAL; Hereditary breast cancer. Identifiers: Orphanet 227535, MedGen C0346153, MONDO:0016419, OMIM 114480. Disease mechanism: loss of function.

Submission:

Myriad Genetics, Inc.
Classification: Likely benign for Familial cancer of breast. Last evaluated: 2024-05-28. Review status: criteria provided, single submitter. Criteria: Myriad Autosomal Dominant, Autosomal Recessive and X-Linked Classification Criteria (2023). Collection method: clinical testing. Allele origin: unknown.
Comment: This variant is considered likely benign. This variant is intronic and is not expected to impact mRNA splicing.

NM_000051.4(ATM):c.5918+10T>C

Genes: ATM (ATM serine/threonine kinase; plus strand), C11orf65 (chromosome 11 open reading frame 65; minus strand). Cytogenetic location: 11q22.3.
Variant type: single nucleotide variant.
Coding change: c.5918+10T>C on transcript NM_000051.4 (MANE Select); 10 bases into the intron after coding-DNA position 5918, T replaced by C.
Molecular consequence: intron variant.
Genome position (GRCh38, 1-based): chr11:108,310,325, T>C. VCF-style: chr11-108310325-T-C. GRCh37 (hg19) VCF-style: chr11-108181052-T-C.
Other names: c.5918+10T>C (NM_001351834.2); c.641-1254A>G (NM_001330368.2); c.*39-1254A>G (NM_001351110.2).
Identifiers: ClinVar variation 3254000 (VCV003254000.1), dbSNP rs2136020262.